The following is an entry in ClinVar:

ClinVar aggregate classification (germline): Uncertain significance. Review status: criteria provided, multiple submitters, no conflicts (2 of 4 stars). 3 submissions from 3 submitters: Uncertain significance (3). Last evaluated 2024-10-28.

Conditions:
Inborn genetic diseases. Identifiers: MedGen C0950123, MeSH D030342.

Submissions (3):

Ambry Genetics
Classification: Uncertain significance for Inborn genetic diseases. Last evaluated: 2024-10-28. Review status: criteria provided, single submitter. Criteria: Ambry Variant Classification Scheme 2023. Collection method: clinical testing. Allele origin: germline.

Labcorp Genetics (formerly Invitae), Labcorp
Classification: Uncertain significance. Last evaluated: 2022-09-03. Review status: criteria provided, single submitter. Criteria: Invitae Variant Classification Sherloc (09022015). Collection method: clinical testing. Allele origin: germline.
Comment: This variant has not been reported in the literature in individuals affected with KAT6A-related conditions. In summary, the available evidence is currently insufficient to determine the role of this variant in disease. Therefore, it has been classified as a Variant of Uncertain Significance. Algorithms developed to predict the effect of missense changes on protein structure and function are either unavailable or do not agree on the potential impact of this missense change (SIFT: "Tolerated"; PolyPhen-2: "Not Available"; Align-GVGD: "Class C0"). ClinVar contains an entry for this variant (Variation ID: 388829). This variant is not present in population databases (gnomAD no frequency). This sequence change replaces serine, which is neutral and polar, with arginine, which is basic and polar, at codon 1960 of the KAT6A protein (p.Ser1960Arg).

GeneDx
Classification: Uncertain significance. Last evaluated: 2018-10-23. Review status: criteria provided, single submitter. Criteria: GeneDx Variant Classification (06012015). Collection method: clinical testing. Allele origin: germline. Affected: yes.
Comment: The S1960R variant in the KAT6A gene has not been reported previously as a pathogenic variant, nor as a benign variant, to our knowledge. The S1960R variant is not observed in large population cohorts (Lek et al., 2016; 1000 Genomes Consortium et al., 2015; Exome Variant Server). The S1960R variant is a semi-conservative amino acid substitution, which may impact secondary protein structureas these residues differ in some properties. This substitution occurs at a position that is conserved inmammals. However, in silico analysis is inconsistent in its predictions as to whether or not the variant is damaging to the protein structure/function. We interpret S1960R as a variant of uncertain significance.

NM_006766.5(KAT6A):c.5878A>C (p.Ser1960Arg)

Gene: KAT6A (lysine acetyltransferase 6A; minus strand). Cytogenetic location: 8p11.21.
Variant type: single nucleotide variant.
Coding change: c.5878A>C on transcript NM_006766.5 (MANE Select); coding-DNA position 5878, A replaced by C.
Protein change: p.Ser1960Arg; replaces serine 1960 with arginine.
Molecular consequence: missense variant.
Genome position (GRCh38, 1-based): chr8:41,932,342, T>G on the plus strand (A>C on the coding strand, the complement: KAT6A is on the minus strand). VCF-style: chr8-41932342-T-G. GRCh37 (hg19) VCF-style: chr8-41789860-T-G.
Other names: short protein forms S1960R.
Identifiers: ClinVar variation 388829 (VCV000388829.7), dbSNP rs1057523241, ClinGen allele CA16605482.